The following is an entry in ClinVar:

ClinVar aggregate classification (germline): Uncertain significance (1 of 4 stars; one submission).

Allele frequency attached by ClinVar (database versions not stated): gnomAD exomes below 0.00001.
gnomAD v4.1: 5 of 1,597,690 alleles (0.00031%); highest among the groups gnomAD compares: Middle Eastern, 0.017%; no homozygotes.

Submission:

Labcorp Genetics (formerly Invitae), Labcorp
Classification: Uncertain significance. Last evaluated: 2022-02-09. Review status: criteria provided, single submitter. Criteria: Invitae Variant Classification Sherloc (09022015). Collection method: clinical testing. Allele origin: germline.
Comment: This sequence change creates a premature translational stop signal (p.Leu1048*) in the RIMS1 gene. It is expected to result in an absent or disrupted protein product. However, the current clinical and genetic evidence is not sufficient to establish whether loss-of-function variants in RIMS1 cause disease. This variant is not present in population databases (gnomAD no frequency). This variant has not been reported in the literature in individuals affected with RIMS1-related conditions. ClinVar contains an entry for this variant (Variation ID: 1023235). In summary, the available evidence is currently insufficient to determine the role of this variant in disease. Therefore, it has been classified as a Variant of Uncertain Significance.

NM_014989.7(RIMS1):c.3143T>G (p.Leu1048Ter)

Gene: RIMS1 (regulating synaptic membrane exocytosis 1; plus strand). Cytogenetic location: 6q13.
Variant type: single nucleotide variant.
Coding change: c.3143T>G on transcript NM_014989.7 (MANE Select); coding-DNA position 3143, T replaced by G.
Protein change: p.Leu1048Ter; replaces leucine 1048 with a stop codon.
Molecular consequence: nonsense. On other transcripts: intron variant (58).
Genome position (GRCh38, 1-based): chr6:72,265,001, T>G. VCF-style: chr6-72265001-T-G. GRCh37 (hg19) VCF-style: chr6-72974704-T-G.
Other names: c.1562T>G, p.Leu521Ter (NM_001350418.2, NM_001350434.2, NM_001350436.2); c.1565T>G, p.Leu522Ter (NM_001350458.2); c.1520T>G, p.Leu507Ter (NM_001350470.2); c.1470-959T>G (NM_001350428.2, NM_001350459.2, NM_001350424.2 and 1 more transcripts); c.1467-959T>G (NM_001350437.2, NM_001350430.2, NM_001350421.2 and 1 more transcripts); c.1539-959T>G (NM_001350433.2, NM_001350446.2, NM_001350442.2 and 8 more transcripts); c.1538+4234T>G (NM_001350431.2); c.1476-959T>G (NM_001350457.2); and 13 more; short protein forms L1048*, L507*, L521*, L522*.
Identifiers: ClinVar variation 1023235 (VCV001023235.8), dbSNP rs2079788926, ClinGen allele CA364685226.